The following is an entry in ClinVar:

ClinVar aggregate classification (germline): Likely benign. Review status: criteria provided, multiple submitters, no conflicts (2 of 4 stars). 2 submissions from 2 submitters: Likely benign (2). Last evaluated 2025-01-22.

Allele frequency attached by ClinVar (database versions not stated): 1000 Genomes Project 30x 0.00016; 1000 Genomes Project 0.00020; gnomAD 0.00004; ExAC 0.00012; TOPMed 0.00012.
gnomAD v4.1: 63 of 1,614,192 alleles (0.0039%); highest among the groups gnomAD compares: East Asian, 0.087%; no homozygotes.

Submissions (2):

Labcorp Genetics (formerly Invitae), Labcorp
Classification: Likely benign. Last evaluated: 2025-01-22. Review status: criteria provided, single submitter. Criteria: Invitae Variant Classification Sherloc (09022015). Collection method: clinical testing. Allele origin: germline.

CeGaT Center for Human Genetics Tuebingen
Classification: Likely benign. Last evaluated: 2022-07-01. Review status: criteria provided, single submitter. Criteria: CeGaT Center For Human Genetics Tuebingen Variant Classification Criteria Version 2. Collection method: clinical testing. Allele origin: germline. Affected: yes. Observed: 1 variant allele.
Comment: DSCAML1: BP4, BP7

NM_020693.4(DSCAML1):c.1056G>A (p.Thr352=)

Gene: DSCAML1 (DS cell adhesion molecule like 1; minus strand). Cytogenetic location: 11q23.3.
Variant type: single nucleotide variant.
Coding change: c.1056G>A on transcript NM_020693.4 (MANE Select); coding-DNA position 1056, G replaced by A.
Protein change: p.Thr352=; no amino-acid change (threonine 352 retained).
Molecular consequence: synonymous variant.
Genome position (GRCh38, 1-based): chr11:117,521,287, C>T on the plus strand (G>A on the coding strand, the complement: DSCAML1 is on the minus strand). VCF-style: chr11-117521287-C-T. GRCh37 (hg19) VCF-style: chr11-117392002-C-T.
Other names: c.1056G>A, p.Thr352= (NM_001367904.1); c.648G>A, p.Thr216= (NM_001367905.1).
Identifiers: ClinVar variation 2192299 (VCV002192299.28), dbSNP rs541933869, ClinGen allele CA6297379.